The following is an entry in ClinVar:

ClinVar aggregate classification (germline): Conflicting classifications of pathogenicity. Review status: criteria provided, conflicting classifications (1 of 4 stars). 2 submissions from 2 submitters: Uncertain significance (1); Likely benign (1). Last evaluated 2026-07-24.

Conditions:
Hereditary cancer-predisposing syndrome. Also called: Tumor predisposition; Hereditary neoplastic syndrome; Neoplastic Syndromes, Hereditary; Hereditary Cancer Syndrome. Identifiers: Orphanet 140162, MedGen C0027672, MeSH D009386, MONDO:0015356.
Neuroblastoma, susceptibility to, 3. Also called: ALK-Related Neuroblastic Tumor Susceptibility. Identifiers: Orphanet 635, MedGen C2751681, MONDO:0013083, OMIM 613014.

Submissions (2):

Ambry Genetics
Classification: Likely benign for Hereditary cancer-predisposing syndrome. Last evaluated: 2026-07-24. Review status: criteria provided, single submitter. Criteria: Ambry Variant Classification Scheme 2023. Collection method: clinical testing. Allele origin: germline.

Labcorp Genetics (formerly Invitae), Labcorp
Classification: Uncertain significance for Neuroblastoma, susceptibility to, 3. Last evaluated: 2022-09-14. Review status: criteria provided, single submitter. Criteria: Invitae Variant Classification Sherloc (09022015). Collection method: clinical testing. Allele origin: germline.
Comment: This variant is not present in population databases (gnomAD no frequency). This sequence change replaces methionine, which is neutral and non-polar, with leucine, which is neutral and non-polar, at codon 611 of the ALK protein (p.Met611Leu). This variant has not been reported in the literature in individuals affected with ALK-related conditions. Algorithms developed to predict the effect of missense changes on protein structure and function (SIFT, PolyPhen-2, Align-GVGD) all suggest that this variant is likely to be tolerated. In summary, the available evidence is currently insufficient to determine the role of this variant in disease. Therefore, it has been classified as a Variant of Uncertain Significance.

NM_004304.5(ALK):c.1831A>T (p.Met611Leu)

Gene: ALK (ALK receptor tyrosine kinase; minus strand). Cytogenetic location: 2p23.2.
Variant type: single nucleotide variant.
Coding change: c.1831A>T on transcript NM_004304.5 (MANE Select); coding-DNA position 1831, A replaced by T.
Protein change: p.Met611Leu; replaces methionine 611 with leucine.
Molecular consequence: missense variant.
Genome position (GRCh38, 1-based): chr2:29,275,483, T>A on the plus strand (A>T on the coding strand, the complement: ALK is on the minus strand). VCF-style: chr2-29275483-T-A. GRCh37 (hg19) VCF-style: chr2-29498349-T-A.
Other names: c.1831A>T (NM_004304.4); short protein forms M611L.
Identifiers: ClinVar variation 1719431 (VCV001719431.7), dbSNP rs2465332293, ClinGen allele CA346480027.
Genomic context (GRCh38, chr2:29,275,483, plus strand): 5'-TGATGGAGATATTGTCAAAAGCCACGATGGCTCTGGATCCTTGTCCCCACCATGCGACCA[T>A]CTGCAGCCAGAACCTGTACACATCAAGAGGAATGTGTGTGAGGAGCAAACTGGGGGGTCT-3'
Protein context (NP_004295.2, residues 601-621): LDVSDRFWLQ[Met611Leu]VAWWGQGSRA